The following is an entry in ClinVar:

ClinVar aggregate classification (germline): Uncertain significance. Review status: criteria provided, multiple submitters, no conflicts (2 of 4 stars). 3 submissions from 3 submitters: Uncertain significance (3). Last evaluated 2025-09-24.

Conditions:
Hereditary cancer-predisposing syndrome. Also called: Neoplastic Syndromes, Hereditary; Hereditary neoplastic syndrome; Hereditary Cancer Syndrome; Tumor predisposition. Identifiers: Orphanet 140162, MedGen C0027672, MeSH D009386, MONDO:0015356.
Cardiovascular phenotype. Identifiers: MedGen CN230736.
Neurofibromatosis, type 1 (NF1). Also called: Neurofibromatosis, type I; VON RECKLINGHAUSEN DISEASE; NEUROFIBROMATOSIS, TYPE I, SOMATIC; Peripheral type neurofibromatosis. Identifiers: Orphanet 636, MedGen C0027831, MONDO:0018975, OMIM 162200. Disease mechanism: loss of function.

Submissions (3):

Ambry Genetics
Classification: Uncertain significance for Cardiovascular phenotype; Hereditary cancer-predisposing syndrome. Last evaluated: 2025-09-24. Review status: criteria provided, single submitter. Criteria: Ambry Variant Classification Scheme 2023. Collection method: clinical testing. Allele origin: germline.
Comment: The p.L274P variant (also known as c.821T>C), located in coding exon 8 of the NF1 gene, results from a T to C substitution at nucleotide position 821. The leucine at codon 274 is replaced by proline, an amino acid with similar properties. This amino acid position is highly conserved in available vertebrate species. In addition, this alteration is predicted to be deleterious by in silico analysis. Based on the available evidence, the clinical significance of this variant remains unclear.

Labcorp Genetics (formerly Invitae), Labcorp
Classification: Uncertain significance for Neurofibromatosis, type 1. Last evaluated: 2023-02-11. Review status: criteria provided, single submitter. Criteria: Invitae Variant Classification Sherloc (09022015). Collection method: clinical testing. Allele origin: germline.
Comment: In summary, the available evidence is currently insufficient to determine the role of this variant in disease. Therefore, it has been classified as a Variant of Uncertain Significance. Advanced modeling of protein sequence and biophysical properties (such as structural, functional, and spatial information, amino acid conservation, physicochemical variation, residue mobility, and thermodynamic stability) performed at Invitae indicates that this missense variant is expected to disrupt NF1 protein function. ClinVar contains an entry for this variant (Variation ID: 996495). This variant has not been reported in the literature in individuals affected with NF1-related conditions. This variant is not present in population databases (gnomAD no frequency). This sequence change replaces leucine, which is neutral and non-polar, with proline, which is neutral and non-polar, at codon 274 of the NF1 protein (p.Leu274Pro).

Genome Diagnostics Laboratory, The Hospital for Sick Children
Classification: Uncertain significance for Neurofibromatosis, type 1. Last evaluated: 2020-10-26. Review status: criteria provided, single submitter. Criteria: ACMG Guidelines, 2015. Collection method: clinical testing. Allele origin: germline. Affected: yes.

NM_001042492.3(NF1):c.821T>C (p.Leu274Pro)

Gene: NF1 (neurofibromin 1; plus strand). Cytogenetic location: 17q11.2.
Variant type: single nucleotide variant.
Coding change: c.821T>C on transcript NM_001042492.3 (MANE Select); coding-DNA position 821, T replaced by C.
Protein change: p.Leu274Pro; replaces leucine 274 with proline.
Molecular consequence: missense variant.
Genome position (GRCh38, 1-based): chr17:31,182,598, T>C. VCF-style: chr17-31182598-T-C. GRCh37 (hg19) VCF-style: chr17-29509616-T-C.
Other names: c.821T>C, p.Leu274Pro (NM_000267.4, NM_001128147.3); short protein forms L274P.
Identifiers: ClinVar variation 996495 (VCV000996495.7), dbSNP rs2066157974, ClinGen allele CA398990995.